The following is an entry in ClinVar:

NM_000038.6(APC):c.3745T>A (p.Cys1249Ser)

Gene: APC (APC regulator of Wnt signaling pathway; plus strand). Cytogenetic location: 5q22.2.
Variant type: single nucleotide variant.
Coding change: c.3745T>A on transcript NM_000038.6 (MANE Select); coding-DNA position 3745, T replaced by A.
Protein change: p.Cys1249Ser; replaces cysteine 1249 with serine.
Molecular consequence: missense variant.
Genome position (GRCh38, 1-based): chr5:112,839,339, T>A. VCF-style: chr5-112839339-T-A. GRCh37 (hg19) VCF-style: chr5-112175036-T-A.
Other names: c.3745T>A, p.Cys1249Ser (NM_001127510.3, NM_001354895.2); c.3799T>A, p.Cys1267Ser (NM_001354896.2); c.3670T>A, p.Cys1224Ser (NM_001354898.2); c.3775T>A, p.Cys1259Ser (NM_001354897.2); c.3691T>A, p.Cys1231Ser (NM_001127511.3); c.3661T>A, p.Cys1221Ser (NM_001354899.2); c.3622T>A, p.Cys1208Ser (NM_001354900.2); c.3568T>A, p.Cys1190Ser (NM_001354901.2); and 5 more; short protein forms C1231S, C1249S, C1190S, C1224S, C1259S, C966S, C1123S, C1148S.
Identifiers: ClinVar variation 572224 (VCV000572224.13), dbSNP rs1417740204, ClinGen allele CA16029547.

ClinVar aggregate classification (germline): Conflicting classifications of pathogenicity. Review status: criteria provided, conflicting classifications (1 of 4 stars). 3 submissions from 3 submitters: Uncertain significance (2); Likely benign (1). Last evaluated 2025-04-23.

Conditions:
Familial adenomatous polyposis 1 (FAP1). Also called: POLYPOSIS, ADENOMATOUS INTESTINAL; FAMILIAL ADENOMATOUS POLYPOSIS 1, ATTENUATED. Identifiers: MedGen C2713442, MONDO:0021056, OMIM 175100. Disease mechanism: loss of function.
Hereditary cancer-predisposing syndrome. Also called: Neoplastic Syndromes, Hereditary; Hereditary Cancer Syndrome; Tumor predisposition; Hereditary neoplastic syndrome. Identifiers: Orphanet 140162, MedGen C0027672, MeSH D009386, MONDO:0015356.
Classic or attenuated familial adenomatous polyposis. Identifiers: MedGen CN372698, MONDO:0021057.

Allele frequency attached by ClinVar (database versions not stated): TOPMed below 0.00001; gnomAD exomes 0.00001.
gnomAD v4.1: 3 of 1,613,134 alleles (0.00019%); highest among the groups gnomAD compares: Admixed American, 0.005%; no homozygotes.

Submissions (3):

Labcorp Genetics (formerly Invitae), Labcorp
Classification: Uncertain significance for Familial adenomatous polyposis 1. Last evaluated: 2025-04-23. Review status: criteria provided, single submitter. Criteria: Invitae Variant Classification Sherloc (09022015). Collection method: clinical testing. Allele origin: germline.
Comment: This sequence change replaces cysteine, which is neutral and slightly polar, with serine, which is neutral and polar, at codon 1249 of the APC protein (p.Cys1249Ser). This variant is present in population databases (no rsID available, gnomAD 0.009%). This variant has not been reported in the literature in individuals affected with APC-related conditions. ClinVar contains an entry for this variant (Variation ID: 572224). Invitae Evidence Modeling of protein sequence and biophysical properties (such as structural, functional, and spatial information, amino acid conservation, physicochemical variation, residue mobility, and thermodynamic stability) indicates that this missense variant is not expected to disrupt APC protein function with a negative predictive value of 95%. In summary, the available evidence is currently insufficient to determine the role of this variant in disease. Therefore, it has been classified as a Variant of Uncertain Significance.

All of Us Research Program, National Institutes of Health
Classification: Uncertain significance for Classic or attenuated familial adenomatous polyposis. Last evaluated: 2024-08-13. Review status: criteria provided, single submitter. Criteria: ACMG Guidelines, 2015. Collection method: clinical testing. Allele origin: germline. Inheritance: Autosomal dominant inheritance. Observed: 1 variant allele, 1 heterozygote.
Comment: This missense variant replaces cysteine with serine at codon 1249 of the APC protein. Computational prediction suggests that this variant may not impact protein structure and function (internally defined REVEL score threshold <= 0.5, PMID: 27666373). To our knowledge, functional studies have not been reported for this variant. This variant has not been reported in individuals affected with APC-related disorders in the literature. This variant has been identified in 3/249546 chromosomes in the general population by the Genome Aggregation Database (gnomAD). The available evidence is insufficient to determine the role of this variant in disease conclusively. Therefore, this variant is classified as a Variant of Uncertain Significance.

This study involves interpretation of variants in research participants for the purpose of population health screening. Participant phenotype was not available at the time of variant classification. Additional details can be found in publication PMID: 35346344, PMCID: PMC8962531

Ambry Genetics
Classification: Likely benign for Hereditary cancer-predisposing syndrome. Last evaluated: 2022-04-25. Review status: criteria provided, single submitter. Criteria: Ambry Variant Classification Scheme 2023. Collection method: clinical testing. Allele origin: germline.